The following is an entry in ClinVar:

ClinVar aggregate classification (germline): Uncertain significance (1 of 4 stars; one submission).

Submission:

GeneDx
Classification: Uncertain significance. Last evaluated: 2026-02-11. Review status: criteria provided, single submitter. Criteria: GeneDx Variant Classification Process June 2021. Collection method: clinical testing. Allele origin: germline.
Comment: Not observed at significant frequency in large population cohorts (gnomAD); In silico analysis suggests that this missense variant does not alter protein structure/function; Has not been previously published as pathogenic or benign to our knowledge

NM_005909.5(MAP1B):c.5203G>T (p.Ala1735Ser)

Gene: MAP1B (microtubule associated protein 1B; plus strand). Cytogenetic location: 5q13.2.
Variant type: single nucleotide variant.
Coding change: c.5203G>T on transcript NM_005909.5 (MANE Select); coding-DNA position 5203, G replaced by T.
Protein change: p.Ala1735Ser; replaces alanine 1735 with serine.
Molecular consequence: missense variant.
Genome position (GRCh38, 1-based): chr5:72,198,558, G>T. VCF-style: chr5-72198558-G-T. GRCh37 (hg19) VCF-style: chr5-71494385-G-T.
Other names: c.4825G>T, p.Ala1609Ser (NM_001324255.2); short protein forms A1609S, A1735S.
Identifiers: ClinVar variation 4976463 (VCV004976463.1).